The following is an entry in ClinVar:

ClinVar aggregate classification (germline): Pathogenic (1 of 4 stars; one submission).

Conditions:
Multiple endocrine neoplasia, type 1 (MEN1). Also called: MEA I; MEN I; WERMER SYNDROME; Endocrine adenomatosis multiple; MEN 1. Identifiers: Orphanet 652, MedGen C0025267, MeSH D018761, MONDO:0007540, OMIM 131100.

Submission:

Labcorp Genetics (formerly Invitae), Labcorp
Classification: Pathogenic for Multiple endocrine neoplasia, type 1. Last evaluated: 2021-12-31. Review status: criteria provided, single submitter. Criteria: Invitae Variant Classification Sherloc (09022015). Collection method: clinical testing. Allele origin: germline.
Comment: For these reasons, this variant has been classified as Pathogenic. This variant has not been reported in the literature in individuals affected with MEN1-related conditions. This variant is a gross deletion of the genomic region encompassing exon(s) 3-8 of the MEN1 gene. This deletion is out-of-frame, and is expected to create a premature termination codon and result in an absent or disrupted protein product. Loss-of-function variants in MEN1 are known to be pathogenic (PMID: 12112656, 17853334).

Literature cited by the submitters: PubMed 12112656; PubMed 17853334.

NC_000011.9:g.(?_64573097)_(64575581_?)del

Gene: MEN1 (menin 1; minus strand). Cytogenetic location: 11q13.1.
Variant type: Deletion.
Identifiers: ClinVar variation 2427195 (VCV002427195.4).